The following is an entry in ClinVar:

NM_000051.4(ATM):c.9068G>T (p.Gly3023Val)

Genes: ATM (ATM serine/threonine kinase; plus strand), C11orf65 (chromosome 11 open reading frame 65; minus strand). Cytogenetic location: 11q22.3.
Variant type: single nucleotide variant.
Coding change: c.9068G>T on transcript NM_000051.4 (MANE Select); coding-DNA position 9068, G replaced by T.
Protein change: p.Gly3023Val; replaces glycine 3023 with valine.
Molecular consequence: missense variant. On other transcripts: intron variant (2).
Genome position (GRCh38, 1-based): chr11:108,365,405, G>T. VCF-style: chr11-108365405-G-T. GRCh37 (hg19) VCF-style: chr11-108236132-G-T.
Other names: c.9068G>T, p.Gly3023Val (NM_001351834.2); c.640+20515C>A (NM_001330368.2); c.694+20515C>A (NM_001351110.2); short protein forms G3023V.
Identifiers: ClinVar variation 407694 (VCV000407694.11), dbSNP rs769548726, ClinGen allele CA16613527.

ClinVar aggregate classification (germline): Uncertain significance. Review status: criteria provided, multiple submitters, no conflicts (2 of 4 stars). 3 submissions from 3 submitters: Uncertain significance (3). Last evaluated 2024-11-26.

Conditions:
Hereditary cancer-predisposing syndrome. Also called: Neoplastic Syndromes, Hereditary; Hereditary Cancer Syndrome; Tumor predisposition; Hereditary neoplastic syndrome. Identifiers: Orphanet 140162, MedGen C0027672, MeSH D009386, MONDO:0015356.
Ataxia-telangiectasia syndrome (AT). Also called: LOUIS-BAR SYNDROME; Cerebello-oculocutaneous telangiectasia; Immunodeficiency with ataxia telangiectasia; Ataxia-telangiectasia, complementation group D; AT, COMPLEMENTATION GROUP C; Ataxia-telangiectasia, complementation group E. Identifiers: Orphanet 100, MedGen C0004135, MONDO:0008840, OMIM 208900.

Submissions (3):

ARUP Laboratories, Molecular Genetics and Genomics, ARUP Laboratories
Classification: Uncertain significance. Last evaluated: 2024-11-26. Review status: criteria provided, single submitter. Criteria: ARUP Molecular Germline Variant Investigation Process 2024. Collection method: clinical testing. Allele origin: germline.
Comment: The ATM c.9068G>T; p.Gly3023Val variant (rs769548726) is reported in the literature in an individual with a personal and/or family history of breast and/or ovarian cancer (Castera 2014). This variant is absent from the Genome Aggregation Database (v2.1.1), indicating it is not a common polymorphism. Computational analyses predict that this variant is deleterious (REVEL: 0.861). However, due to limited information, the clinical significance of this variant is uncertain at this time. References: Castera L et al. Next-generation sequencing for the diagnosis of hereditary breast and ovarian cancer using genomic capture targeting multiple candidate genes. Eur J Hum Genet. 2014 Nov;22(11):1305-13. PMID: 24549055.

Ambry Genetics
Classification: Uncertain significance for Hereditary cancer-predisposing syndrome. Last evaluated: 2024-09-06. Review status: criteria provided, single submitter. Criteria: Ambry Variant Classification Scheme 2023. Collection method: clinical testing. Allele origin: germline.
Comment: The p.G3023V variant (also known as c.9068G>T), located in coding exon 62 of the ATM gene, results from a G to T substitution at nucleotide position 9068. The glycine at codon 3023 is replaced by valine, an amino acid with dissimilar properties. This variant was identified in a cohort of 767 high-risk breast and/or ovarian cancer patients (Cast&eacute;ra L et al. Eur J Hum Genet, 2014 Nov;22:1305-13). This amino acid position is highly conserved in available vertebrate species. In addition, the in silico prediction for this alteration is inconclusive. Based on the available evidence, the clinical significance of this variant remains unclear.

Labcorp Genetics (formerly Invitae), Labcorp
Classification: Uncertain significance for Ataxia-telangiectasia syndrome. Last evaluated: 2022-08-12. Review status: criteria provided, single submitter. Criteria: Invitae Variant Classification Sherloc (09022015). Collection method: clinical testing. Allele origin: germline.
Comment: ClinVar contains an entry for this variant (Variation ID: 407694). This missense change has been observed in individual(s) with personal and/or family history consistent with hereditary breast and ovarian cancer syndrome (PMID: 24549055). This variant is not present in population databases (gnomAD no frequency). This sequence change replaces glycine, which is neutral and non-polar, with valine, which is neutral and non-polar, at codon 3023 of the ATM protein (p.Gly3023Val). Advanced modeling of protein sequence and biophysical properties (such as structural, functional, and spatial information, amino acid conservation, physicochemical variation, residue mobility, and thermodynamic stability) performed at Invitae indicates that this missense variant is expected to disrupt ATM protein function. In summary, the available evidence is currently insufficient to determine the role of this variant in disease. Therefore, it has been classified as a Variant of Uncertain Significance.

Literature cited by the submitters: PubMed 24549055 (cited by Ambry Genetics and Labcorp Genetics (formerly Invitae), Labcorp).